The following is an entry in ClinVar:

ClinVar aggregate classification (germline): Uncertain significance (1 of 4 stars; one submission).

Submission:

CeGaT Center for Human Genetics Tuebingen
Classification: Uncertain significance. Last evaluated: 2022-08-01. Review status: criteria provided, single submitter. Criteria: CeGaT Center For Human Genetics Tuebingen Variant Classification Criteria Version 2. Collection method: clinical testing. Allele origin: germline. Affected: yes. Observed: 1 variant allele.
Comment: PRG4: PM2, PM4

NM_005807.6(PRG4):c.2466_2489del (p.Thr826_Glu833del)

Gene: PRG4 (proteoglycan 4; plus strand). Cytogenetic location: 1q31.1.
Variant type: Deletion.
Coding change: c.2466_2489del on transcript NM_005807.6 (MANE Select); coding-DNA positions 2466 to 2489, 24 bases deleted (ACCTAAGGAGACTGCTCCAACTAC).
Protein change: p.Thr826_Glu833del.
Molecular consequence: inframe deletion.
Genome position (GRCh38, 1-based): chr1:186,308,185-186,308,208, ACCTAAGGAGACTGCTCCAACTAC deleted; deleting any 24 consecutive bases within chr1:186,308,172-186,308,208 gives the same sequence; the c. name uses the placement nearest the transcript's 3' end. VCF-style (leftmost placement, unchanged base first): chr1-186308171-CCTGCTCCAACTACACCTAAGGAGA-C. GRCh37 (hg19) VCF-style: chr1-186277303-CCTGCTCCAACTACACCTAAGGAGA-C.
Other names: c.2343_2366del, p.Thr785_Glu792del (NM_001127708.3); c.2187_2210del, p.Thr733_Glu740del (NM_001127709.3); c.2064_2087del, p.Thr692_Glu699del (NM_001127710.3); c.2337_2360del, p.Thr783_Glu790del (NM_001303232.2).
Identifiers: ClinVar variation 2639661 (VCV002639661.24), dbSNP rs775336950, ClinGen allele CA1296446.